The following is an entry in ClinVar:

ClinVar aggregate classification (germline): Benign. Review status: criteria provided, multiple submitters, no conflicts (2 of 4 stars). 5 submissions from 5 submitters: Benign (4). 1 of the submissions does not count toward it. Last evaluated 2026-02-02.

Conditions:
CPAMD8-related disorder. Also called: CPAMD8-related condition.

Allele frequency attached by ClinVar (database versions not stated): gnomAD exomes 0.32924 and 0.36312; ExAC 0.36934; ESP Exome Variant Server 0.39778; gnomAD 0.40869 and 0.41062; TOPMed 0.42022; 1000 Genomes Project 30x 0.47127; 1000 Genomes Project 0.47384.
gnomAD v4.1: 544,599 of 1,613,230 alleles (34%); highest among the groups gnomAD compares: African/African-American, 59%; 96,524 homozygotes.

Submissions (5):

Labcorp Genetics (formerly Invitae), Labcorp
Classification: Benign. Last evaluated: 2026-02-02. Review status: criteria provided, single submitter. Criteria: Invitae Variant Classification Sherloc (09022015). Collection method: clinical testing. Allele origin: germline.

Blueprint Genetics
Classification: Benign. Last evaluated: 2024-11-28. Review status: criteria provided, single submitter. Criteria: ACMG Guidelines, 2015. Collection method: clinical testing. Allele origin: germline.

GeneDx
Classification: Benign. Last evaluated: 2021-05-04. Review status: criteria provided, single submitter. Criteria: GeneDx Variant Classification Process June 2021. Collection method: clinical testing. Allele origin: germline. Affected: yes.

Breakthrough Genomics
Classification: Benign. Review status: criteria provided, single submitter. Criteria: ACMG Guidelines, 2015. Collection method: not provided. Allele origin: germline. Inheritance: Autosomal recessive inheritance. Affected: yes.

PreventionGenetics, part of Exact Sciences
Classification: Benign for CPAMD8-related condition. Last evaluated: 2019-03-14. Review status: no assertion criteria provided. Collection method: clinical testing. Allele origin: germline. Not counted in ClinVar's aggregate classification.
Comment: This variant is classified as benign based on ACMG/AMP sequence variant interpretation guidelines (Richards et al. 2015 PMID: 25741868, with internal and published modifications).

NM_015692.5(CPAMD8):c.1524A>C (p.Arg508=)

Gene: CPAMD8 (C3 and PZP like alpha-2-macroglobulin domain containing 8; minus strand). Cytogenetic location: 19p13.11.
Variant type: single nucleotide variant.
Coding change: c.1524A>C on transcript NM_015692.5 (MANE Select); coding-DNA position 1524, A replaced by C.
Protein change: p.Arg508=; no amino-acid change (arginine 508 retained).
Molecular consequence: synonymous variant.
Genome position (GRCh38, 1-based): chr19:16,980,558, T>G on the plus strand (A>C on the coding strand, the complement: CPAMD8 is on the minus strand). VCF-style: chr19-16980558-T-G. GRCh37 (hg19) VCF-style: chr19-17091368-T-G.
Identifiers: ClinVar variation 1246357 (VCV001246357.14), dbSNP rs8103646, ClinGen allele CA9285678.